The following is an entry in ClinVar:

ClinVar aggregate classification (germline): Conflicting classifications of pathogenicity. Review status: criteria provided, conflicting classifications (1 of 4 stars). 24 submissions from 24 submitters: Uncertain significance (9); Likely benign (10). 5 of the submissions do not count toward it. Last evaluated 2026-10-01.

Conditions:
NBN-related disorder. Also called: NBN-related condition.
Acute lymphoid leukemia (ALL). Also called: Leukemia, acute lymphoblastic, somatic; Acute lymphoblastic leukemia; Acute lymphocytic leukemia; Lymphoblastic leukemia. Identifiers: Orphanet 513, MedGen C0023449, MONDO:0004967, OMIM 613065, HP:0006721.
Aplastic anemia. Identifiers: Orphanet 182040, Orphanet 88, MedGen C0002874, MONDO:0015909, OMIM 609135, HP:0001915.
Microcephaly, normal intelligence and immunodeficiency (NBS). Also called: Immunodeficiency, microcephaly with normal intelligence; Ataxia telangiectasia variant V1; IMMUNODEFICIENCY, MICROCEPHALY, AND CHROMOSOMAL INSTABILITY; SEEMANOVA SYNDROME II; Nijmegen breakage syndrome; Microcephaly with normal intelligence immunodeficiency and lymphoreticular malignancies. Identifiers: Orphanet 647, MedGen C0398791, MONDO:0009623, OMIM 251260.
Hereditary cancer. Identifiers: MedGen C1333600.
Hereditary cancer-predisposing syndrome. Also called: Tumor predisposition; Hereditary neoplastic syndrome; Neoplastic Syndromes, Hereditary; Hereditary Cancer Syndrome. Identifiers: Orphanet 140162, MedGen C0027672, MeSH D009386, MONDO:0015356.
Malignant tumor of breast. Also called: Malignant breast neoplasm; Cancer breast. Identifiers: MedGen C0006142, MONDO:0007254. Disease mechanism: loss of function.

Allele frequency attached by ClinVar (database versions not stated): 1000 Genomes Project 30x 0.00016; 1000 Genomes Project 0.00020; gnomAD exomes 0.00040 and 0.00077; gnomAD 0.00047 and 0.00050; ExAC 0.00048; TOPMed 0.00055; ESP Exome Variant Server 0.00100.
gnomAD v4.1: 1,219 of 1,613,198 alleles (0.076%); highest among the groups gnomAD compares: Non-Finnish European, 0.094%; 1 homozygote.

Submissions 1 to 14 of 24:

GeneDx
Classification: Uncertain significance. Last evaluated: 2026-10-01. Review status: criteria provided, single submitter. Criteria: GeneDx Variant Classification Process June 2021. Collection method: clinical testing. Allele origin: germline.
Comment: Observed in individuals with a personal or family history of breast, ovarian, and other cancers (PMID: 11325820, 16810201, 16770759, 17496786, 22491912, 24894818, 26315354, 26928227, 29522266, 34072463); In a breast cancer case-control analysis, this variant was not observed at a higher frequency in cases versus controls (PMID: 34072463); Published functional studies suggest a potential impact on DNA repair ability (PMID: 34072463); In silico analysis supports that this missense variant has a deleterious effect on protein structure/function; This variant is associated with the following publications: (PMID: 19452044, 26787654, 16810201, 29522266, 32668560, 24894818, 11325820, 16770759, 24728327, 17496786, 20805886, 22491912, 24396275, 26928227, 26315354, 28873162, 29371908, 12353271, 26564480, 18606567, 29641532, 29844865, 31278556, 19804756, 34426522, 30306255, 31780696, 31874108, 35264596, 34326862, 34284872, 34072463, 37503171, 36346689, 40007116, 33471991)

PreventionGenetics, part of Exact Sciences
Classification: Likely benign for NBN-related condition. Last evaluated: 2026-07-13. Review status: criteria provided, single submitter. Criteria: ACMG Guidelines, 2015. Collection method: clinical testing. Allele origin: germline.
Comment: This variant is classified as likely benign based on ACMG/AMP sequence variant interpretation guidelines (Richards et al. 2015 PMID: 25741868, with internal and published modifications).

Labcorp Genetics (formerly Invitae), Labcorp
Classification: Likely benign for Microcephaly, normal intelligence and immunodeficiency. Last evaluated: 2026-01-25. Review status: criteria provided, single submitter. Criteria: Invitae Variant Classification Sherloc (09022015). Collection method: clinical testing. Allele origin: germline.

CeGaT Center for Human Genetics Tuebingen
Classification: Likely benign. Last evaluated: 2026-01-01. Review status: criteria provided, single submitter. Criteria: CeGaT Center For Human Genetics Tuebingen Variant Classification Criteria Version 2. Collection method: clinical testing. Allele origin: germline. Affected: yes. Observed: 5 variant alleles.
Comment: NBN: BP4, BS1

Women's Health and Genetics/Laboratory Corporation of America, LabCorp
Classification: Likely benign. Last evaluated: 2025-11-10. Review status: criteria provided, single submitter. Criteria: LabCorp Variant Classification Summary - May 2015. Collection method: clinical testing. Allele origin: germline.
Comment: Variant summary: NBN c.628G>T (p.Val210Phe) results in a non-conservative amino acid change in the encoded protein sequence. Algorithms developed to predict the effect of missense changes on protein structure and function are either unavailable or do not agree on the potential impact of this missense change. The variant allele was found at a frequency of 0.0004 in 267128 control chromosomes, predominantly at a frequency of 0.00077 within the Non-Finnish European subpopulation in the gnomAD database. The observed variant frequency within Non-Finnish European control individuals in the gnomAD database exceeds the estimated maximal expected allele frequency for disease-causing variants in NBN. c.628G>T has been reported in the literature in individuals affected with cancer including HBOC and Acute Lymphoblastic Leukemia (e.g., Varon_2001, Mosor_2006, Steffen_2006, Mateju_2012, Damiola_2015, Ramus_2015, Bonache_2018, Dominguez-Valentin_2018, Hauke_2018, Dutil_2019, Zuntini_2021), but has also been reported in controls (e.g., Mateju_2012, Ramus_2015). These reports therefore do not provide unequivocal conclusions about association of the variant with Hereditary Breast And Ovarian Cancer Syndrome. A co-occurrence with a pathogenic variant has been observed by our lab (BRCA2 c.9027delT, p.His3010IlefsX18; Internal testing), providing supporting evidence for a benign role. The variant was also reported in 16 women older than age 70 years who have never had cancer (FLOSSIES database) providing further evidence for a benign role. At least one publication reports experimental evidence evaluating an impact on protein function, however, does not allow convincing conclusions about the variant effect (e.g., Zuntini_2021). The following publications have been ascertained in the context of this evaluation (PMID: 24728327, 30306255, 12353271, 26564480, 29371908, 31780696, 29522266, 22491912, 31874108, 16810201, 32668560, 26315354, 16770759, 11325820, 26787654, 34072463). ClinVar contains an entry for this variant (Variation ID: 127014). Based on the evidence outlined above, the variant was classified as likely benign.

Quest Diagnostics Nichols Institute San Juan Capistrano
Classification: Likely benign. Last evaluated: 2025-05-12. Review status: criteria provided, single submitter. Criteria: Quest Diagnostics criteria. Collection method: clinical testing. Allele origin: unknown.

Mendelics
Classification: Likely benign for Hereditary cancer. Last evaluated: 2025-02-27. Review status: criteria provided, single submitter. Criteria: ACMG Guidelines, 2015. Collection method: clinical testing. Allele origin: unknown.
Comment: This variant is considered likely benign or benign based on one or more of the following: it is predicted to be benign by multiple in silico algorithms, and/or has population frequency not consistent with disease, and/or has normal protein function, and/or has lack of segregation with disease, and/or has been detected in co-occurrence with known pathogenic variant, and/or has lack of disease association in case-control studies, and/or is located in a region inconsistent with a known cause of pathogenicity.

Blueprint Genetics
Classification: Likely benign. Last evaluated: 2024-10-28. Review status: criteria provided, single submitter. Criteria: ACMG Guidelines, 2015. Collection method: clinical testing. Allele origin: germline.

Mayo Clinic Laboratories, Mayo Clinic
Classification: Uncertain significance. Last evaluated: 2022-01-24. Review status: criteria provided, single submitter. Criteria: ACMG Guidelines, 2015. Collection method: clinical testing. Allele origin: germline.

Baylor Genetics
Classification: Uncertain significance for Microcephaly, normal intelligence and immunodeficiency. Last evaluated: 2022-01-12. Review status: criteria provided, single submitter. Criteria: ACMG Guidelines, 2015. Collection method: clinical testing. Allele origin: unknown. Affected: yes. Study: CSER-TexasKidsCanSeq.
Comment: This variant was determined to be of uncertain significance according to ACMG Guidelines, 2015 [PMID:25741868].

Sema4
Classification: Likely benign for Hereditary cancer-predisposing syndrome. Last evaluated: 2021-12-27. Review status: criteria provided, single submitter. Criteria: Sema4 Curation Guidelines. Collection method: curation. Allele origin: germline.

Genome-Nilou Lab
Classification: Uncertain significance for Microcephaly, normal intelligence and immunodeficiency. Last evaluated: 2021-11-07. Review status: criteria provided, single submitter. Criteria: ACMG Guidelines, 2015. Collection method: clinical testing. Allele origin: germline. Affected: no.

Institute for Clinical Genetics, University Hospital TU Dresden, University Hospital TU Dresden
Classification: Uncertain significance. Last evaluated: 2021-11-03. Review status: criteria provided, single submitter. Criteria: ACMG Guidelines, 2015. Collection method: clinical testing. Allele origin: germline.

St. Jude Molecular Pathology, St. Jude Children's Research Hospital
Classification: Likely benign for Microcephaly, normal intelligence and immunodeficiency. Last evaluated: 2021-08-19. Review status: criteria provided, single submitter. Criteria: St. Jude Assertion Criteria 2020. Collection method: clinical testing. Allele origin: germline.
Comment: The NBN c.628G>T (p.Val210Phe) missense change has a maximum subpopulation frequency of 0.076% in gnomAD v2.1.1. Five of seven in silico tools predict a benign effect of this variant on protein function (BP4), but to our knowledge these predictions have not been confirmed by functional assays. This variant is present 16x in the FLOSSIES database which contains genetic variants from women older than 70 years of age who have never had cancer (BS2). In summary, this variant meets criteria to be classified as likely benign based on the ACMG/AMP criteria: BS2, BP4.

NM_002485.5(NBN):c.628G>T (p.Val210Phe)

Gene: NBN (nibrin; minus strand). Cytogenetic location: 8q21.3.
Variant type: single nucleotide variant.
Coding change: c.628G>T on transcript NM_002485.5 (MANE Select); coding-DNA position 628, G replaced by T.
Protein change: p.Val210Phe; replaces valine 210 with phenylalanine.
Molecular consequence: missense variant.
Genome position (GRCh38, 1-based): chr8:89,971,247, C>A on the plus strand (G>T on the coding strand, the complement: NBN is on the minus strand). VCF-style: chr8-89971247-C-A. GRCh37 (hg19) VCF-style: chr8-90983475-C-A.
Other names: p.V210F:GTT>TTT; c.382G>T, p.Val128Phe (NM_001024688.3); short protein forms V210F, V128F.
Identifiers: ClinVar variation 127014 (VCV000127014.98), dbSNP rs61754796, ClinGen allele CA160993.